The following is an entry in ClinVar:

NM_001267550.2(TTN):c.5808del (p.Arg1936fs)

Gene: TTN (titin; minus strand). Cytogenetic location: 2q31.2.
Variant type: Deletion.
Coding change: c.5808del on transcript NM_001267550.2 (MANE Select); coding-DNA position 5808, one base deleted (G; older notation c.5808delG).
Protein change: p.Arg1936fs; shifts the reading frame from arginine 1936.
Molecular consequence: frameshift variant.
Genome position (GRCh38, 1-based): chr2:178,776,056, C deleted on the plus strand (G on the coding strand, the reverse complement: TTN is on the minus strand); the first of 2 consecutive C bases (chr2:178,776,056-178,776,057); deleting either gives the same sequence. VCF-style (leftmost placement, unchanged base first): chr2-178776055-AC-A. GRCh37 (hg19) VCF-style: chr2-179640782-AC-A.
Other names: c.5808del, p.Arg1936fs (NM_001256850.1, NM_133378.4, NM_133379.5); c.5670del, p.Arg1890fs (NM_003319.4, NM_133432.3, NM_133437.4); short protein forms R1890fs, R1936fs.
Identifiers: ClinVar variation 1051266 (VCV001051266.7), dbSNP rs2154345980, ClinGen allele CA2499215500.

ClinVar aggregate classification (germline): Likely pathogenic (1 of 4 stars; one submission).

Conditions:
Dilated cardiomyopathy 1G (CMD1G). Identifiers: Orphanet 154, MedGen C1858763, MONDO:0011400, OMIM 604145.
Autosomal recessive limb-girdle muscular dystrophy type 2J (LGMDR10). Also called: Limb-girdle muscular dystrophy, type 2J; MUSCULAR DYSTROPHY, LIMB-GIRDLE, AUTOSOMAL RECESSIVE 10. Identifiers: Orphanet 140922, MedGen C1837342, MONDO:0012127, OMIM 608807.

Submission:

Labcorp Genetics (formerly Invitae), Labcorp
Classification: Likely pathogenic for Dilated cardiomyopathy 1G; Autosomal recessive limb-girdle muscular dystrophy type 2J. Last evaluated: 2024-10-28. Review status: criteria provided, single submitter. Criteria: Invitae Variant Classification Sherloc (09022015). Collection method: clinical testing. Allele origin: germline.
Comment: This sequence change creates a premature translational stop signal (p.Arg1936Serfs*42) in the TTN gene. While this is not anticipated to result in nonsense mediated decay, it is expected to create a truncated TTN protein. This variant is not present in population databases (gnomAD no frequency). This variant has not been observed in the literature in individuals with autosomal recessive TTN-related conditions. This variant has been reported in individual(s) with clinical features of autosomal dominant dilated cardiomyopathy (internal data); however, the role of the variant in this condition is currently unclear. ClinVar contains an entry for this variant (Variation ID: 1051266). This variant is located in the Z band of TTN (PMID: 25589632). Truncating variants in this region have been reported in individuals affected with autosomal recessive centronuclear myopathy (PMID: 33449170, internal data). Truncating variants in this region have also been identified in individuals affected with autosomal dominant dilated cardiomyopathy and/or cardio-related conditions (PMID: 27869827, 32964742, internal data). In summary, the currently available evidence indicates that the variant is pathogenic, but additional data are needed to prove that conclusively. Therefore, this variant has been classified as Likely Pathogenic.

Literature cited by the submitters: PubMed 25589632; PubMed 33449170; PubMed 27869827; PubMed 32964742.